The following is an entry in ClinVar:

NM_004100.5(EYA4):c.902A>G (p.Asp301Gly)

Gene: EYA4 (EYA transcriptional coactivator and phosphatase 4; plus strand). Cytogenetic location: 6q23.2.
Variant type: single nucleotide variant.
Coding change: c.902A>G on transcript NM_004100.5 (MANE Select); coding-DNA position 902, A replaced by G.
Protein change: p.Asp301Gly; replaces aspartic acid 301 with glycine.
Molecular consequence: missense variant.
Genome position (GRCh38, 1-based): chr6:133,468,663, A>G. VCF-style: chr6-133468663-A-G. GRCh37 (hg19) VCF-style: chr6-133789801-A-G.
Other names: c.740A>G, p.Asp247Gly (NM_001301012.2, NM_001370459.1); c.902A>G, p.Asp301Gly (NM_001301013.2, NM_172105.4); c.833A>G, p.Asp278Gly (NM_001370458.1, NM_172103.4); short protein forms D247G, D278G, D301G.
Identifiers: ClinVar variation 1719692 (VCV001719692.5), dbSNP rs1339205471, ClinGen allele CA365703698.
Genomic context (GRCh38, chr6:133,468,663, plus strand): 5'-ATGCACAGTATTATTCAGCATCAACGTATGGAGCGTATATGACATCGAATAACACAGCCG[A>G]TGGCACACCCTCTTCAACCTCTACTTATCAGTTGCAGGAATCTCTCCCAGGACTGACTAA-3'
Protein context (NP_004091.3, residues 291-311): GAYMTSNNTA[Asp301Gly]GTPSSTSTYQ

ClinVar aggregate classification (germline): Uncertain significance (1 of 4 stars; one submission).

Conditions:
Dilated cardiomyopathy 1J (CMD1J). Also called: CARDIOMYOPATHY, DILATED, WITH SENSORINEURAL HEARING LOSS, AUTOSOMAL DOMINANT. Identifiers: Orphanet 217622, MedGen C1854368, MONDO:0011541, OMIM 605362.

Submission:

Labcorp Genetics (formerly Invitae), Labcorp
Classification: Uncertain significance for Dilated cardiomyopathy 1J. Last evaluated: 2023-05-10. Review status: criteria provided, single submitter. Criteria: Invitae Variant Classification Sherloc (09022015). Collection method: clinical testing. Allele origin: germline.
Comment: This sequence change replaces aspartic acid, which is acidic and polar, with glycine, which is neutral and non-polar, at codon 301 of the EYA4 protein (p.Asp301Gly). In summary, the available evidence is currently insufficient to determine the role of this variant in disease. Therefore, it has been classified as a Variant of Uncertain Significance. Advanced modeling of protein sequence and biophysical properties (such as structural, functional, and spatial information, amino acid conservation, physicochemical variation, residue mobility, and thermodynamic stability) performed at Invitae indicates that this missense variant is not expected to disrupt EYA4 protein function. ClinVar contains an entry for this variant (Variation ID: 1719692). This variant has not been reported in the literature in individuals affected with EYA4-related conditions. This variant is not present in population databases (gnomAD no frequency).